The following is an entry in ClinVar:

NM_001190737.2(NFIB):c.1031A>G (p.His344Arg)

Gene: NFIB (nuclear factor I B; minus strand). Cytogenetic location: 9p23.
Variant type: single nucleotide variant.
Coding change: c.1031A>G on transcript NM_001190737.2 (MANE Select); coding-DNA position 1031, A replaced by G.
Protein change: p.His344Arg; replaces histidine 344 with arginine.
Molecular consequence: missense variant. On other transcripts: non-coding transcript variant (4).
Genome position (GRCh38, 1-based): chr9:14,125,661, T>C on the plus strand (A>G on the coding strand, the complement: NFIB is on the minus strand). VCF-style: chr9-14125661-T-C. GRCh37 (hg19) VCF-style: chr9-14125660-T-C.
Other names: c.1109A>G, p.His370Arg (NM_001190738.2); c.275A>G, p.His92Arg (NM_001282787.2); c.1097A>G, p.His366Arg (NM_001369458.1, NM_001369459.1, NM_001369462.1 and 1 more transcripts); c.1019A>G, p.His340Arg (NM_001369460.1, NM_001369463.1, NM_001369466.1 and 2 more transcripts); c.1031A>G, p.His344Arg (NM_001369461.1, NM_001369464.1, NM_001369471.1 and 1 more transcripts); c.1004A>G, p.His335Arg (NM_001369465.1, NM_001369467.1, NM_001369476.1); c.887A>G, p.His296Arg (NM_001369469.1); c.794A>G, p.His265Arg (NM_001369470.1, NM_001369478.1); and 4 more; short protein forms H165R, H265R, H269R, H296R, H326R, H335R, H339R, H340R.
Identifiers: ClinVar variation 1308112 (VCV001308112.2), dbSNP rs1003216446, ClinGen allele CA190126264.

ClinVar aggregate classification (germline): Uncertain significance (1 of 4 stars; one submission).

Allele frequency attached by ClinVar (database versions not stated): TOPMed below 0.00001.

Submission:

GeneDx
Classification: Uncertain significance. Last evaluated: 2019-08-26. Review status: criteria provided, single submitter. Criteria: GeneDx Variant Classification Process June 2021. Collection method: clinical testing. Allele origin: germline. Affected: yes.
Comment: Not observed in large population cohorts (Lek et al., 2016); In silico analysis, which includes protein predictors and evolutionary conservation, supports that this variant does not alter protein structure/function; Has not been previously published as pathogenic or benign to our knowledge